The following is an entry in ClinVar:

ClinVar aggregate classification (germline): Conflicting classifications of pathogenicity. Review status: criteria provided, conflicting classifications (1 of 4 stars). 29 submissions from 29 submitters: Pathogenic (21); Likely pathogenic (1); Uncertain significance (1). 6 of the submissions do not count toward it. Last evaluated 2026-01-21.

Conditions:
RYR1-related disorder. Also called: RYR1-related disorders; RYR1-related condition. Identifiers: MedGen CN239331.
Malignant hyperthermia, susceptibility to, 1 (MHS1). Also called: Malignant hyperthermia suceptibility 1; Anesthesia related hyperthermia; Malignant hyperpyrexia; Fulminating hyperpyrexia; Pharmacogenic myopathy; RYR1-Related Malignant Hyperthermia Susceptibility. Identifiers: Orphanet 423, MedGen C2930980, MONDO:0007783, OMIM 145600.
Congenital multicore myopathy with external ophthalmoplegia (CMYO1B). Also called: MULTIMINICORE DISEASE WITH EXTERNAL OPHTHALMOPLEGIA; Congenital myopathy 1B, autosomal recessive; Minicore myopathy; MULTICORE MYOPATHY; Minicore myopathy with external ophthalmoplegia. Identifiers: Orphanet 598, Orphanet 98905, MedGen C1850674, MONDO:0009712, OMIM 255320, HP:0003789.
Central core myopathy (CMYO1A). Also called: CONGENITAL MYOPATHY 1A, AUTOSOMAL DOMINANT, WITH SUSCEPTIBILITY TO MALIGNANT HYPERTHERMIA; Central core disease; Myopathy, central fibrillar. Identifiers: Orphanet 597, MedGen C5830701, MONDO:0007294, OMIM 117000.
King Denborough syndrome (KDS). Identifiers: MedGen C1840365, MONDO:0020485, OMIM 619542.
Congenital myopathy with fiber type disproportion. Also called: Congenital fiber-type disproportion myopathy; Congenital fiber-type disproportion. Identifiers: Orphanet 2020, MedGen C0546264, MONDO:0009711. Inheritance: all.
Neuromuscular disease. Also called: Neuromuscular disorder; Neuromyopathy. Identifiers: Orphanet 68381, MedGen C0027868, MeSH D009468, MONDO:0019056.
Multi-minicore disease and atypical periodic paralysis. Identifiers: MedGen CN221543.
Hydrops fetalis. Identifiers: Orphanet 1041, MedGen C0020305, MONDO:0015193, HP:0001789.

Allele frequency attached by ClinVar (database versions not stated): ESP Exome Variant Server 0.00008; 1000 Genomes Project 30x 0.00031; gnomAD 0.00013; TOPMed 0.00015; 1000 Genomes Project 0.00020.
gnomAD v4.1: 260 of 1,613,720 alleles (0.016%); highest among the groups gnomAD compares: Non-Finnish European, 0.016%; no homozygotes.

Submissions 1 to 11 of 29:

Labcorp Genetics (formerly Invitae), Labcorp
Classification: Pathogenic for RYR1-related disorder. Last evaluated: 2026-01-21. Review status: criteria provided, single submitter. Criteria: Invitae Variant Classification Sherloc (09022015). Collection method: clinical testing. Allele origin: germline.
Comment: This sequence change creates a premature translational stop signal (p.Arg2241*) in the RYR1 gene. It is expected to result in an absent or disrupted protein product. Loss-of-function variants in RYR1 are known to be pathogenic (PMID: 23919265, 25960145, 28818389, 30611313). This variant is present in population databases (rs200563280, gnomAD 0.2%). This premature translational stop signal has been observed in individuals with autosomal recessive congenital myopathy (PMID: 20080402, 22473935, 23553787, 24195946, 24951453). ClinVar contains an entry for this variant (Variation ID: 159856). For these reasons, this variant has been classified as Pathogenic.

Variantyx, Inc.
Classification: Pathogenic for Congenital multicore myopathy with external ophthalmoplegia. Last evaluated: 2025-08-07. Review status: criteria provided, single submitter. Criteria: Variantyx Assertion Criteria 2022. Collection method: clinical testing. Allele origin: germline. Inheritance: Autosomal recessive inheritance. Affected: yes.
Comment: This is a nonsense variant in the RYR1 gene (OMIM: 180901). Pathogenic variants in this gene have been associated with autosomal recessive congenital myopathy 1B. This variant introduces a premature termination codon in exon 41 out of 106 and is expected to result in loss of function, which is a known disease mechanism for RYR1 in this disorder (PVS1). This variant has a 0.0156% maximum allele frequency in non-founder control populations (PM2). Based on the current evidence, this variant is classified as pathogenic for autosomal recessive congenital myopathy 1B.

Cytogenetics and Genomics Lab, Cyprus Institute Of Neurology and Genetics
Classification: Pathogenic for Congenital multicore myopathy with external ophthalmoplegia. Last evaluated: 2024-07-20. Review status: criteria provided, single submitter. Criteria: ACGS Guidelines, 2020. Collection method: research. Allele origin: paternal. Affected: yes.
Comment: This is a null variant in a gene where loss-of-function is a known mechanism of disease (PVS1_very strong). It is a known variant that has previously been reported as pathogenic 16 times in ClinVar (PM3_strong) and is found in extremely low frequency in gnomAD population database (PM2_supporting). The variant was found in coumpound heterozygous state with NM_000540.3:c.8068-3C>G.

Revvity Omics, Revvity
Classification: Pathogenic. Last evaluated: 2024-07-18. Review status: criteria provided, single submitter. Criteria: ACMG Guidelines, 2015. Collection method: clinical testing. Allele origin: germline.

Greenwood Genetic Center Diagnostic Laboratories, Greenwood Genetic Center
Classification: Pathogenic for Congenital multicore myopathy with external ophthalmoplegia. Last evaluated: 2024-04-08. Review status: criteria provided, single submitter. Criteria: ACMG Guidelines, 2015. Collection method: clinical testing. Allele origin: germline. Affected: yes.
Comment: PVS1, PM2, PM3

Blueprint Genetics
Classification: Pathogenic for RYR1-related disorders. Last evaluated: 2024-02-13. Review status: criteria provided, single submitter. Criteria: ACMG Guidelines, 2015. Collection method: clinical testing. Allele origin: germline. Affected: yes. Observed: 5 variant alleles.

Color Diagnostics, LLC DBA Color Health
Classification: Uncertain significance for Malignant hyperthermia, susceptibility to, 1. Last evaluated: 2023-11-29. Review status: criteria provided, single submitter. Criteria: ACMG Guidelines, 2015. Collection method: clinical testing. Allele origin: germline.
Comment: This variant changes 1 nucleotide in exon 41 of the RYR1 gene, creating a premature translation stop signal. This variant is expected to result in an absent or non-functional protein product. This variant has not been reported in individuals affected with autosomal dominant malignant hyperthermia in the literature, although it is associated with other phenotype(s) (ClinVar variation ID: 159856). This variant has been identified in 43/282472 chromosomes in the general population by the Genome Aggregation Database (gnomAD). Loss of RYR1 function due to truncation variants is not an established disease mechanism for autosomal dominant malignant hyperthermia, although it is associated with other phenotype(s). Due to insufficient evidence, this variant is classified as a Variant of Uncertain Significance for autosomal dominant malignant hyperthermia.

Department of Pathology and Laboratory Medicine, Sinai Health System
Classification: Pathogenic for Central core myopathy; Malignant hyperthermia, susceptibility to, 1; Congenital multicore myopathy with external ophthalmoplegia; King Denborough syndrome. Last evaluated: 2023-05-09. Review status: criteria provided, single submitter. Criteria: ACMG Guidelines, 2015. Collection method: research. Allele origin: germline.

Women's Health and Genetics/Laboratory Corporation of America, LabCorp
Classification: Pathogenic for Congenital multicore myopathy with external ophthalmoplegia. Last evaluated: 2022-10-06. Review status: criteria provided, single submitter. Criteria: LabCorp Variant Classification Summary - May 2015. Collection method: clinical testing. Allele origin: germline.
Comment: Variant summary: RYR1 c.6721C>T (p.Arg2241X) results in a premature termination codon, predicted to cause a truncation of the encoded protein or absence of the protein due to nonsense mediated decay, which are commonly known mechanisms for disease. The variant allele was found at a frequency of 0.00016 in 251116 control chromosomes (gnomAD). c.6721C>T has been reported in the literature in multiple compound heterozygous individuals affected with RYR-1 related myopathies (e.g. Zhou_2010, Klein_2012, Garibaldi_2019), in addition, the variant was also reported in homozygous state in 6 fetuses presenting as lethal fetal akinesia in one family (McKie_2014). These data indicate that the variant is very likely to be associated with disease. Publications also reported absent allele specific mRNA, and very low levels of RYR1 protein expression in muscle biopsy samples from compound heterozygous patients, providing evidence for nonsense mediated mRNA decay (e.g. Zhou_2010, Garibaldi_2019). Ten clinical diagnostic laboratories have submitted clinical-significance assessments for this variant to ClinVar after 2014, and all of them classified the variant as pathogenic (n=9) / likely pathogenic (n=1). Based on the evidence outlined above, the variant was classified as pathogenic.

GeneDx
Classification: Pathogenic. Last evaluated: 2022-04-12. Review status: criteria provided, single submitter. Criteria: GeneDx Variant Classification Process June 2021. Collection method: clinical testing. Allele origin: germline. Affected: yes.
Comment: Observed in homozygous state or with a pathogenic variant on the opposite allele (in trans) in patients in published literature with an RYR1-related myopathy and not observed in homozygous state in controls (McKie et al., 2014; Todd et al., 2015); Nonsense variant predicted to result in protein truncation or nonsense mediated decay in a gene for which loss-of-function is a known mechanism of disease; This variant is associated with the following publications: (PMID: 33333461, 27447704, 25637381, 24951453, 24195946, 22473935, 23553787, 25525159, 26332594, 25127990, 27854218, 26633545, 29298851, 30155738, 26578207, 30609409, 30611313, 31680349, 34426522, 34539730, 25476234, 20080402)

Fulgent Genetics
Classification: Pathogenic for Central core myopathy; Malignant hyperthermia, susceptibility to, 1; Congenital myopathy 4A, autosomal dominant; Congenital multicore myopathy with external ophthalmoplegia; King Denborough syndrome. Last evaluated: 2021-09-27. Review status: criteria provided, single submitter. Criteria: ACMG Guidelines, 2015. Collection method: clinical testing. Allele origin: unknown.

NM_000540.3(RYR1):c.6721C>T (p.Arg2241Ter)

Gene: RYR1 (ryanodine receptor 1; plus strand). Cytogenetic location: 19q13.2.
Variant type: single nucleotide variant.
Coding change: c.6721C>T on transcript NM_000540.3 (MANE Select); coding-DNA position 6721, C replaced by T.
Protein change: p.Arg2241Ter; replaces arginine 2241 with a stop codon.
Molecular consequence: nonsense.
Genome position (GRCh38, 1-based): chr19:38,496,466, C>T. VCF-style: chr19-38496466-C-T. GRCh37 (hg19) VCF-style: chr19-38987106-C-T.
Other names: RYR1, ARG2241TER (rs200563280); c.6721C>T, p.Arg2241Ter (NM_001042723.2); short protein forms R2241*.
Identifiers: ClinVar variation 159856 (VCV000159856.65), dbSNP rs200563280, ClinGen allele CA024643.